The following is an entry in ClinVar:

ClinVar aggregate classification (germline): Pathogenic (1 of 4 stars; one submission).

Conditions:
Asphyxiating thoracic dystrophy 3. Also called: Saldino-Noonan Syndrome; SHORT-RIB THORACIC DYSPLASIA 3 WITH OR WITHOUT POLYDACTYLY; POLYDACTYLY WITH NEONATAL CHONDRODYSTROPHY, TYPE I; SHORT-RIB THORACIC DYSPLASIA 3/6 WITH POLYDACTYLY, DIGENIC; Short rib polydactyly syndrome 2B. Identifiers: Orphanet 474, Orphanet 93269, Orphanet 93270, Orphanet 93271, MedGen C0036069, MONDO:0013127, OMIM 613091.

Submission:

Myriad Genetics, Inc.
Classification: Pathogenic for Asphyxiating thoracic dystrophy 3. Last evaluated: 2024-06-29. Review status: criteria provided, single submitter. Criteria: Myriad Autosomal Dominant, Autosomal Recessive and X-Linked Classification Criteria (2023). Collection method: clinical testing. Allele origin: unknown.
Comment: NM_001377.2(DYNC2H1):c.11467C>T(Q3823*) is expected to be pathogenic in the context of DYNC2H1-related disorders. This variant is predicted to lead to an abnormal or absent protein product due to the creation of a premature termination codon in DYNC2H1, a gene where loss-of-function variants are known to be pathogenic. Please note: this variant was assessed in the context of healthy population screening.

NM_001377.3(DYNC2H1):c.11467C>T (p.Gln3823Ter)

Gene: DYNC2H1 (dynein cytoplasmic 2 heavy chain 1; plus strand). Cytogenetic location: 11q22.3.
Variant type: single nucleotide variant.
Coding change: c.11467C>T on transcript NM_001377.3 (MANE Select); coding-DNA position 11467, C replaced by T.
Protein change: p.Gln3823Ter; replaces glutamine 3823 with a stop codon.
Molecular consequence: nonsense.
Genome position (GRCh38, 1-based): chr11:103,307,805, C>T. VCF-style: chr11-103307805-C-T. GRCh37 (hg19) VCF-style: chr11-103178534-C-T.
Other names: c.11488C>T, p.Gln3830Ter (NM_001080463.2); short protein forms Q3823*, Q3830*.
Identifiers: ClinVar variation 5013252 (VCV005013252.1).
Genomic context (GRCh38, chr11:103,307,805, plus strand): 5'-GATACCTTTCGTCTTTGGCTCACTGCAGAAGTTCATCCCAACTTTACTCCTATTTTACTA[C>T]AGTCAAGTCTGAAGATAACATATGAGGTAAGAAGATTTAAAACTTGGATCACCAGTTGTA-3'